The following is an entry in ClinVar:

ClinVar aggregate classification (germline): Likely pathogenic (1 of 4 stars; one submission).

Conditions:
Hereditary breast ovarian cancer syndrome. Also called: Hereditary breast and ovarian cancer syndrome; Hereditary breast and ovarian cancer syndrome (HBOC); Breast and ovarian cancer; Hereditary breast and/or ovarian cancer syndrome; Hereditary breast and ovarian cancer; BRCA1- and BRCA2-Associated Hereditary Breast and Ovarian Cancer. Identifiers: Orphanet 145, MedGen C0677776, MeSH D061325, MONDO:0003582. Disease mechanism: loss of function.

Submission:

Women's Health and Genetics/Laboratory Corporation of America, LabCorp
Classification: Likely pathogenic for Hereditary breast and ovarian cancer syndrome. Last evaluated: 2020-11-16. Review status: criteria provided, single submitter. Criteria: LabCorp Variant Classification Summary - May 2015. Collection method: clinical testing. Allele origin: germline.
Comment: Variant summary: BRCA2 c.7317delA (p.His2440MetfsX27) results in a premature termination codon, predicted to cause a truncation of the encoded protein or absence of the protein due to nonsense mediated decay, which are commonly known mechanisms for disease. Truncations downstream of this position have been classified as pathogenic by our laboratory. The variant was absent in 251214 control chromosomes. To our knowledge, no occurrence of c.7317delA in individuals affected with Hereditary Breast And Ovarian Cancer Syndrome and no experimental evidence demonstrating its impact on protein function have been reported. No clinical diagnostic laboratories have submitted clinical-significance assessments for this variant to ClinVar after 2014. Based on the evidence outlined above, the variant was classified as likely pathogenic.

NM_000059.4(BRCA2):c.7317del (p.His2440fs)

Gene: BRCA2 (BRCA2 DNA repair associated; plus strand). Cytogenetic location: 13q13.1.
Variant type: Deletion.
Coding change: c.7317del on transcript NM_000059.4 (MANE Select); coding-DNA position 7317, one base deleted (A; older notation c.7317delA).
Protein change: p.His2440fs; shifts the reading frame from histidine 2440.
Molecular consequence: frameshift variant.
Genome position (GRCh38, 1-based): chr13:32,355,170, A deleted. VCF-style (leftmost placement, unchanged base first): chr13-32355169-GA-G. GRCh37 (hg19) VCF-style: chr13-32929306-GA-G.
Other names: short protein forms H2440fs.
Identifiers: ClinVar variation 987784 (VCV000987784.1), dbSNP rs2072682479, ClinGen allele CA1139663173.